The following is an entry in ClinVar:

NM_000260.4(MYO7A):c.6572del (p.Asp2191fs)

Gene: MYO7A (myosin VIIA; plus strand). Cytogenetic location: 11q13.5.
Variant type: Deletion.
Coding change: c.6572del on transcript NM_000260.4 (MANE Select); coding-DNA position 6572, one base deleted (A; older notation c.6572delA).
Protein change: p.Asp2191fs; shifts the reading frame from aspartic acid 2191.
Molecular consequence: frameshift variant.
Genome position (GRCh38, 1-based): chr11:77,214,620, A deleted. VCF-style (leftmost placement, unchanged base first): chr11-77214619-GA-G. GRCh37 (hg19) VCF-style: chr11-76925664-GA-G.
Other names: c.6572delA (NM_000260.3); c.6452del, p.Asp2151fs (NM_001127180.2); c.6425del, p.Asp2142fs (NM_001369365.1); short protein forms D2142fs, D2151fs, D2191fs.
Identifiers: ClinVar variation 4700659 (VCV004700659.3).

ClinVar aggregate classification (germline): Conflicting classifications of pathogenicity. Review status: criteria provided, conflicting classifications (1 of 4 stars). 3 submissions from 3 submitters: Likely pathogenic (2); Uncertain significance (1). Last evaluated 2026-01-22.

Conditions:
Usher syndrome type 1B (USH1B). Also called: Usher syndrome type IB. Identifiers: MedGen C1848638, MONDO:0700087.

Submissions (3):

Natera, Inc.
Classification: Likely pathogenic for Usher syndrome type 1B. Last evaluated: 2026-01-22. Review status: criteria provided, single submitter. Criteria: Natera Variant Classification Schema (03/2026). Collection method: clinical testing. Allele origin: germline.
Comment: The c.6572delA variant in MYO7A is a frameshift variant predicted to shift the reading frame beginning at codon 2191 and leads to a stop codon 4 codons downstream. This variant may result in a truncated or dysfunctional protein product. This variant is rare in the general population with a frequency below the threshold expected for the associated phenotype(s). This variant has been observed in one or more individuals affected with the associated recessive disease, as either homozygous or compound heterozygous with a second variant (PMID: 38927702, 40257781). Given the available evidence, this variant is classified as Likely Pathogenic.

Labcorp Genetics (formerly Invitae), Labcorp
Classification: Likely pathogenic. Last evaluated: 2025-10-10. Review status: criteria provided, single submitter. Criteria: Invitae Variant Classification Sherloc (09022015). Collection method: clinical testing. Allele origin: germline.
Comment: This sequence change creates a premature translational stop signal (p.Asp2191Valfs*4) in the MYO7A gene. While this is not anticipated to result in nonsense mediated decay, it is expected to disrupt the last 25 amino acid(s) of the MYO7A protein. This variant is not present in population databases (gnomAD no frequency). This premature translational stop signal has been observed in individual(s) with autosomal recessive MYO7A-related conditions (PMID: 33749171, 38219857, 38927702). Algorithms developed to predict the effect of sequence changes on RNA splicing suggest that this variant may disrupt the consensus splice site. This variant disrupts a region of the MYO7A protein in which other variant(s) (p.Leu2193Phe) have been observed in individuals with MYO7A-related conditions (PMID: 22135276). This suggests that this is a clinically significant region of the protein, and that variants that disrupt it are likely to be disease-causing. In summary, the currently available evidence indicates that the variant is pathogenic, but additional data are needed to prove that conclusively. Therefore, this variant has been classified as Likely Pathogenic.

Blueprint Genetics
Classification: Uncertain significance. Last evaluated: 2024-11-13. Review status: criteria provided, single submitter. Criteria: ACMG Guidelines, 2015. Collection method: clinical testing. Allele origin: germline.

Literature cited by the submitters: PubMed 38927702 (cited by Natera, Inc. and Labcorp Genetics (formerly Invitae), Labcorp); PubMed 40257781 (cited by Natera, Inc.); PubMed 33749171 (cited by Labcorp Genetics (formerly Invitae), Labcorp); PubMed 38219857 (cited by Labcorp Genetics (formerly Invitae), Labcorp); PubMed 22135276 (cited by Labcorp Genetics (formerly Invitae), Labcorp).